The following is an entry in ClinVar:

ClinVar aggregate classification (germline): Conflicting classifications of pathogenicity. Review status: criteria provided, conflicting classifications (1 of 4 stars). 2 submissions from 2 submitters: Uncertain significance (1); Likely benign (1). Last evaluated 2024-10-22.

Allele frequency attached by ClinVar (database versions not stated): TOPMed 0.00002; ExAC 0.00009; 1000 Genomes Project 30x 0.00016.
gnomAD v4.1: 29 of 1,551,878 alleles (0.0019%); highest among the groups gnomAD compares: Admixed American, 0.0078%; no homozygotes.

Submissions (2):

Labcorp Genetics (formerly Invitae), Labcorp
Classification: Uncertain significance. Last evaluated: 2024-10-22. Review status: criteria provided, single submitter. Criteria: Invitae Variant Classification Sherloc (09022015). Collection method: clinical testing. Allele origin: germline.
Comment: This sequence change replaces proline, which is neutral and non-polar, with serine, which is neutral and polar, at codon 339 of the KPNA7 protein (p.Pro339Ser). This variant is present in population databases (rs587777538, gnomAD 0.005%). This variant has not been reported in the literature in individuals affected with KPNA7-related conditions. ClinVar contains an entry for this variant (Variation ID: 649520). Invitae Evidence Modeling of protein sequence and biophysical properties (such as structural, functional, and spatial information, amino acid conservation, physicochemical variation, residue mobility, and thermodynamic stability) indicates that this missense variant is not expected to disrupt KPNA7 protein function with a negative predictive value of 80%. In summary, the available evidence is currently insufficient to determine the role of this variant in disease. Therefore, it has been classified as a Variant of Uncertain Significance.

Ambry Genetics
Classification: Likely benign. Last evaluated: 2021-07-06. Review status: criteria provided, single submitter. Criteria: Ambry Variant Classification Scheme 2023. Collection method: clinical testing. Allele origin: germline.

NM_001145715.3(KPNA7):c.1015C>T (p.Pro339Ser)

Gene: KPNA7 (karyopherin subunit alpha 7; minus strand). Cytogenetic location: 7q22.1.
Variant type: single nucleotide variant.
Coding change: c.1015C>T on transcript NM_001145715.3 (MANE Select); coding-DNA position 1015, C replaced by T.
Protein change: p.Pro339Ser; replaces proline 339 with serine.
Molecular consequence: missense variant.
Genome position (GRCh38, 1-based): chr7:99,185,048, G>A on the plus strand (C>T on the coding strand, the complement: KPNA7 is on the minus strand). VCF-style: chr7-99185048-G-A. GRCh37 (hg19) VCF-style: chr7-98782671-G-A.
Other names: short protein forms P339S.
Identifiers: ClinVar variation 649520 (VCV000649520.9), dbSNP rs587777538, ClinGen allele CA4363152.